The following is an entry in ClinVar:

ClinVar aggregate classification (germline): Uncertain significance (1 of 4 stars; one submission).

Allele frequency attached by ClinVar (database versions not stated): gnomAD exomes below 0.00001.

Submission:

Labcorp Genetics (formerly Invitae), Labcorp
Classification: Uncertain significance. Last evaluated: 2022-07-05. Review status: criteria provided, single submitter. Criteria: Invitae Variant Classification Sherloc (09022015). Collection method: clinical testing. Allele origin: germline.
Comment: In summary, the available evidence is currently insufficient to determine the role of this variant in disease. Therefore, it has been classified as a Variant of Uncertain Significance. Algorithms developed to predict the effect of missense changes on protein structure and function output the following: SIFT: "Tolerated"; PolyPhen-2: "Benign"; Align-GVGD: "Class C0". The alanine amino acid residue is found in multiple mammalian species, which suggests that this missense change does not adversely affect protein function. ClinVar contains an entry for this variant (Variation ID: 1505393). This variant has not been reported in the literature in individuals affected with ADCY1-related conditions. This variant is not present in population databases (gnomAD no frequency). This sequence change replaces threonine, which is neutral and polar, with alanine, which is neutral and non-polar, at codon 717 of the ADCY1 protein (p.Thr717Ala).

NM_021116.4(ADCY1):c.2149A>G (p.Thr717Ala)

Gene: ADCY1 (adenylate cyclase 1; plus strand). Cytogenetic location: 7p12.3.
Variant type: single nucleotide variant.
Coding change: c.2149A>G on transcript NM_021116.4 (MANE Select); coding-DNA position 2149, A replaced by G.
Protein change: p.Thr717Ala; replaces threonine 717 with alanine.
Molecular consequence: missense variant.
Genome position (GRCh38, 1-based): chr7:45,686,037, A>G. VCF-style: chr7-45686037-A-G. GRCh37 (hg19) VCF-style: chr7-45725636-A-G.
Other names: short protein forms T717A.
Identifiers: ClinVar variation 1505393 (VCV001505393.6), dbSNP rs2116210558, ClinGen allele CA367439494.